The following is an entry in ClinVar:

NM_000388.4(CASR):c.455C>A (p.Ala152Glu)

Gene: CASR (calcium sensing receptor; plus strand). Cytogenetic location: 3q21.1.
Variant type: single nucleotide variant.
Coding change: c.455C>A on transcript NM_000388.4 (MANE Select); coding-DNA position 455, C replaced by A.
Protein change: p.Ala152Glu; replaces alanine 152 with glutamic acid.
Molecular consequence: missense variant.
Genome position (GRCh38, 1-based): chr3:122,257,350, C>A. VCF-style: chr3-122257350-C-A. GRCh37 (hg19) VCF-style: chr3-121976197-C-A.
Other names: c.455C>A, p.Ala152Glu (NM_001178065.2); short protein forms A152E.
Identifiers: ClinVar variation 4786016 (VCV004786016.1).

ClinVar aggregate classification (germline): Uncertain significance (1 of 4 stars; one submission).

Conditions:
Autosomal dominant hypocalcemia 1 (HYPOC1). Also called: HYPOCALCEMIA, FAMILIAL. Identifiers: MedGen C3715128, MONDO:0011013, OMIM 601198.
Familial hypocalciuric hypercalcemia (FHH). Also called: Familial benign hypercalcemia. Identifiers: Orphanet 405, MedGen C1809471, MONDO:0018458.

Submission:

Labcorp Genetics (formerly Invitae), Labcorp
Classification: Uncertain significance for Familial hypocalciuric hypercalcemia; Autosomal dominant hypocalcemia 1. Last evaluated: 2025-08-31. Review status: criteria provided, single submitter. Criteria: Invitae Variant Classification Sherloc (09022015). Collection method: clinical testing. Allele origin: germline.
Comment: This sequence change replaces alanine, which is neutral and non-polar, with glutamic acid, which is acidic and polar, at codon 152 of the CASR protein (p.Ala152Glu). This variant is not present in population databases (gnomAD no frequency). This variant has not been reported in the literature in individuals affected with CASR-related conditions. An algorithm developed to predict the effect of missense changes on protein structure and function (PolyPhen-2) suggests that this variant is likely to be disruptive. In summary, the available evidence is currently insufficient to determine the role of this variant in disease. Therefore, it has been classified as a Variant of Uncertain Significance.